The following is an entry in ClinVar:

NM_017841.4(SDHAF2):c.237G>A (p.Met79Ile)

Gene: SDHAF2 (succinate dehydrogenase complex assembly factor 2; plus strand). Cytogenetic location: 11q12.2.
Variant type: single nucleotide variant.
Coding change: c.237G>A on transcript NM_017841.4 (MANE Select); coding-DNA position 237, G replaced by A.
Protein change: p.Met79Ile; replaces methionine 79 with isoleucine.
Molecular consequence: missense variant.
Genome position (GRCh38, 1-based): chr11:61,437,825, G>A. VCF-style: chr11-61437825-G-A. GRCh37 (hg19) VCF-style: chr11-61205297-G-A.
Other names: short protein forms M79I.
Identifiers: ClinVar variation 4547346 (VCV004547346.1).

ClinVar aggregate classification (germline): Uncertain significance (1 of 4 stars; one submission).

Conditions:
Hereditary cancer-predisposing syndrome. Also called: Tumor predisposition; Hereditary Cancer Syndrome; Hereditary neoplastic syndrome; Neoplastic Syndromes, Hereditary. Identifiers: Orphanet 140162, MedGen C0027672, MeSH D009386, MONDO:0015356.

Submission:

Ambry Genetics
Classification: Uncertain significance for Hereditary cancer-predisposing syndrome. Last evaluated: 2025-12-10. Review status: criteria provided, single submitter. Criteria: Ambry Variant Classification Scheme 2023. Collection method: clinical testing. Allele origin: germline.
Comment: The p.M79I variant (also known as c.237G>A), located in coding exon 2 of the SDHAF2 gene, results from a G to A substitution at nucleotide position 237. The methionine at codon 79 is replaced by isoleucine, an amino acid with highly similar properties. This amino acid position is conserved. In addition, this alteration is predicted to be deleterious by in silico analysis. Based on the available evidence, the clinical significance of this variant remains unclear.